The following is an entry in ClinVar:

NM_001035.3(RYR2):c.8298+6G>C

Gene: RYR2 (ryanodine receptor 2; plus strand). Cytogenetic location: 1q43.
Variant type: single nucleotide variant.
Coding change: c.8298+6G>C on transcript NM_001035.3 (MANE Select); 6 bases into the intron after coding-DNA position 8298, G replaced by C.
Molecular consequence: intron variant.
Genome position (GRCh38, 1-based): chr1:237,660,080, G>C. VCF-style: chr1-237660080-G-C. GRCh37 (hg19) VCF-style: chr1-237823380-G-C.
Other names: c.8298+6G>C (LRG_402t1).
Identifiers: ClinVar variation 463644 (VCV000463644.11), dbSNP rs915760671, ClinGen allele CA39805323.

ClinVar aggregate classification (germline): Uncertain significance. Review status: criteria provided, multiple submitters, no conflicts (2 of 4 stars). 2 submissions from 2 submitters: Uncertain significance (2). Last evaluated 2026-07-01.

Conditions:
Catecholaminergic polymorphic ventricular tachycardia 1. Also called: VENTRICULAR TACHYCARDIA, CATECHOLAMINERGIC POLYMORPHIC, 1, WITH OR WITHOUT ATRIAL DYSFUNCTION AND/OR DILATED CARDIOMYOPATHY; RYR2-Related Catecholaminergic Polymorphic Ventricular Tachycardia; VENTRICULAR TACHYCARDIA, STRESS-INDUCED POLYMORPHIC 1. Identifiers: Orphanet 3286, MedGen C1631597, MONDO:0011484, OMIM 604772.

Allele frequency attached by ClinVar (database versions not stated): gnomAD exomes below 0.00001; gnomAD 0.00001; TOPMed 0.00001.
gnomAD v4.1: 3 of 1,473,430 alleles (0.0002%); highest among the groups gnomAD compares: Non-Finnish European, 0.00027%; no homozygotes.

Submissions (2):

CeGaT Center for Human Genetics Tuebingen
Classification: Uncertain significance. Last evaluated: 2026-07-01. Review status: criteria provided, single submitter. Criteria: CeGaT Center For Human Genetics Tuebingen Variant Classification Criteria Version 2. Collection method: clinical testing. Allele origin: germline. Affected: yes. Observed: 1 variant allele.
Comment: RYR2: PM2, BP4

Labcorp Genetics (formerly Invitae), Labcorp
Classification: Uncertain significance for Catecholaminergic polymorphic ventricular tachycardia 1. Last evaluated: 2022-02-25. Review status: criteria provided, single submitter. Criteria: Invitae Variant Classification Sherloc (09022015). Collection method: clinical testing. Allele origin: germline.
Comment: In summary, the available evidence is currently insufficient to determine the role of this variant in disease. Therefore, it has been classified as a Variant of Uncertain Significance. This sequence change falls in intron 55 of the RYR2 gene. It does not directly change the encoded amino acid sequence of the RYR2 protein. It affects a nucleotide within the consensus splice site. This variant is not present in population databases (gnomAD no frequency). This variant has not been reported in the literature in individuals affected with RYR2-related conditions. ClinVar contains an entry for this variant (Variation ID: 463644). Variants that disrupt the consensus splice site are a relatively common cause of aberrant splicing (PMID: 17576681, 9536098). Algorithms developed to predict the effect of sequence changes on RNA splicing suggest that this variant is not likely to affect RNA splicing.

Literature cited by the submitters: PubMed 17576681 (cited by Labcorp Genetics (formerly Invitae), Labcorp); PubMed 9536098 (cited by Labcorp Genetics (formerly Invitae), Labcorp).